The following is an entry in ClinVar:

NM_000059.4(BRCA2):c.7698_7734del (p.Asp2566fs)

Gene: BRCA2 (BRCA2 DNA repair associated; plus strand). Cytogenetic location: 13q13.1.
Variant type: Deletion.
Coding change: c.7698_7734del on transcript NM_000059.4 (MANE Select); coding-DNA positions 7698 to 7734, 37 bases deleted.
Protein change: p.Asp2566fs; shifts the reading frame from aspartic acid 2566.
Molecular consequence: frameshift variant. On other transcripts: non-coding transcript variant (1).
Genome position (GRCh38, 1-based): chr13:32,357,822-32,357,858, 37 bases deleted; deleting any 37 consecutive bases within chr13:32,357,820-32,357,858 gives the same sequence; the c. name uses the placement nearest the transcript's 3' end. GRCh37 (hg19): chr13:32,931,959-32,931,995.
Other names: c.7602_7638del, p.Asp2534fs (NM_001406719.1); c.7698_7734del, p.Asp2566fs (NM_001406720.1, NM_001432077.1); c.2766_2802del, p.Asp922fs (NM_001406721.1); c.1281_1317del, p.Asp427fs (NM_001406722.1); short protein forms D922fs, D2534fs, D2566fs, D427fs.
Identifiers: ClinVar variation 4629111 (VCV004629111.1).

ClinVar aggregate classification (germline): Pathogenic (1 of 4 stars; one submission).

Conditions:
Hereditary cancer-predisposing syndrome. Also called: Neoplastic Syndromes, Hereditary; Tumor predisposition; Hereditary Cancer Syndrome; Hereditary neoplastic syndrome. Identifiers: Orphanet 140162, MedGen C0027672, MeSH D009386, MONDO:0015356.

Submission:

Ambry Genetics
Classification: Pathogenic for Hereditary cancer-predisposing syndrome. Last evaluated: 2025-11-18. Review status: criteria provided, single submitter. Criteria: Ambry Variant Classification Scheme 2023. Collection method: clinical testing. Allele origin: germline.
Comment: The c.7698_7734del37 pathogenic mutation, located in coding exon 15 of the BRCA2 gene, results from a deletion of 37 nucleotides at nucleotide positions 7698 to 7734, causing a translational frameshift with a predicted alternate stop codon (p.D2566Efs*70). This variant is considered to be rare based on population cohorts in the Genome Aggregation Database (gnomAD). This alteration is expected to result in loss of function by premature protein truncation or nonsense-mediated mRNA decay. As such, this alteration is interpreted as a disease-causing mutation.